The following is an entry in ClinVar:

ClinVar aggregate classification (germline): Uncertain significance (1 of 4 stars; one submission).

Conditions:
Hajdu-Cheney syndrome (HJCYS). Also called: ACROOSTEOLYSIS WITH OSTEOPOROSIS AND CHANGES IN SKULL AND MANDIBLE; SERPENTINE FIBULA-POLYCYSTIC KIDNEY SYNDROME; Acroosteolysis dominant type. Identifiers: Orphanet 955, MedGen C0917715, MONDO:0007057, OMIM 102500.

Submission:

Labcorp Genetics (formerly Invitae), Labcorp
Classification: Uncertain significance for Hajdu-Cheney syndrome. Last evaluated: 2020-03-19. Review status: criteria provided, single submitter. Criteria: Invitae Variant Classification Sherloc (09022015). Collection method: clinical testing. Allele origin: germline.
Comment: In summary, the available evidence is currently insufficient to determine the role of this variant in disease. Therefore, it has been classified as a Variant of Uncertain Significance. Algorithms developed to predict the effect of missense changes on protein structure and function are either unavailable or do not agree on the potential impact of this missense change (SIFT: "Deleterious"; PolyPhen-2: "Benign"; Align-GVGD: "Class C65"). This variant has not been reported in the literature in individuals with NOTCH2-related conditions. This variant is not present in population databases (ExAC no frequency). This sequence change replaces serine with phenylalanine at codon 1070 of the NOTCH2 protein (p.Ser1070Phe). The serine residue is highly conserved and there is a large physicochemical difference between serine and phenylalanine.

NM_024408.4(NOTCH2):c.3209C>T (p.Ser1070Phe)

Gene: NOTCH2 (notch receptor 2; minus strand). Cytogenetic location: 1p12.
Variant type: single nucleotide variant.
Coding change: c.3209C>T on transcript NM_024408.4 (MANE Select); coding-DNA position 3209, C replaced by T.
Protein change: p.Ser1070Phe; replaces serine 1070 with phenylalanine.
Molecular consequence: missense variant.
Genome position (GRCh38, 1-based): chr1:119,937,985, G>A on the plus strand (C>T on the coding strand, the complement: NOTCH2 is on the minus strand). VCF-style: chr1-119937985-G-A. GRCh37 (hg19) VCF-style: chr1-120480608-G-A.
Other names: c.3209C>T, p.Ser1070Phe (NM_001200001.2); short protein forms S1070F.
Identifiers: ClinVar variation 999181 (VCV000999181.9), dbSNP rs1649920676, ClinGen allele CA341853022.
Genomic context (GRCh38, chr1:119,937,985, plus strand): 5'-GGACATAGGCACTGGGACTCTGCTTTTTTCTGAACGCAAGTACCTTTGTTTTTACATGGA[G>A]ACCGACTGCAGAGATTCACCAGGGTCTGAAACAGAGGCAGGGGTGTACATACATCAAAAT-3'
Protein context (NP_077719.2, residues 1060-1080): CQTLVNLCSR[Ser1070Phe]PCKNKGTCVQ